The following is an entry in ClinVar:

NM_001145809.2(MYH14):c.4616G>A (p.Arg1539His)

Gene: MYH14 (myosin heavy chain 14; plus strand). Cytogenetic location: 19q13.33.
Variant type: single nucleotide variant.
Coding change: c.4616G>A on transcript NM_001145809.2 (MANE Select); coding-DNA position 4616, G replaced by A.
Protein change: p.Arg1539His; replaces arginine 1539 with histidine.
Molecular consequence: missense variant.
Genome position (GRCh38, 1-based): chr19:50,286,558, G>A. VCF-style: chr19-50286558-G-A. GRCh37 (hg19) VCF-style: chr19-50789815-G-A.
Other names: c.4517G>A, p.Arg1506His (NM_001077186.2); c.4493G>A, p.Arg1498His (NM_024729.4); short protein forms R1498H, R1539H, R1506H.
Identifiers: ClinVar variation 3705758 (VCV003705758.2).

ClinVar aggregate classification (germline): Uncertain significance (1 of 4 stars; one submission).

gnomAD v4.1: 54 of 1,611,944 alleles (0.0033%); highest among the groups gnomAD compares: East Asian, 0.0067%; no homozygotes.

Submission:

Labcorp Genetics (formerly Invitae), Labcorp
Classification: Uncertain significance. Last evaluated: 2024-08-29. Review status: criteria provided, single submitter. Criteria: Invitae Variant Classification Sherloc (09022015). Collection method: clinical testing. Allele origin: germline.
Comment: This sequence change replaces arginine, which is basic and polar, with histidine, which is basic and polar, at codon 1498 of the MYH14 protein (p.Arg1498His). This variant is present in population databases (rs576482145, gnomAD 0.01%). This variant has not been reported in the literature in individuals affected with MYH14-related conditions. Invitae Evidence Modeling of protein sequence and biophysical properties (such as structural, functional, and spatial information, amino acid conservation, physicochemical variation, residue mobility, and thermodynamic stability) indicates that this missense variant is expected to disrupt MYH14 protein function with a positive predictive value of 80%. In summary, the available evidence is currently insufficient to determine the role of this variant in disease. Therefore, it has been classified as a Variant of Uncertain Significance.